The following is an entry in ClinVar:

NM_024312.5(GNPTAB):c.1000C>T (p.Arg334Ter)

Gene: GNPTAB (N-acetylglucosamine-1-phosphate transferase subunits alpha and beta; minus strand). Cytogenetic location: 12q23.2.
Variant type: single nucleotide variant.
Coding change: c.1000C>T on transcript NM_024312.5 (MANE Select); coding-DNA position 1000, C replaced by T.
Protein change: p.Arg334Ter; replaces arginine 334 with a stop codon.
Molecular consequence: nonsense.
Genome position (GRCh38, 1-based): chr12:101,770,519, G>A on the plus strand (C>T on the coding strand, the complement: GNPTAB is on the minus strand). VCF-style: chr12-101770519-G-A. GRCh37 (hg19) VCF-style: chr12-102164297-G-A.
Other names: short protein forms R334*.
Identifiers: ClinVar variation 39017 (VCV000039017.23), dbSNP rs281864969, ClinGen allele CA223747.

ClinVar aggregate classification (germline): Pathogenic. Review status: criteria provided, multiple submitters, no conflicts (2 of 4 stars). 7 submissions from 7 submitters: Pathogenic (5). 2 of the submissions do not count toward it. Last evaluated 2026-02-05.

Conditions:
Mucolipidosis type II. Also called: Mucolipidosis 2; ML 2; Inclusion cell disease; Leroy Disease; N-acetylglucosamine 1phosphotransferase deficiency; ML disorder type 2. Identifiers: Orphanet 576, MedGen C2673377, MONDO:0009650, OMIM 252500.
Pseudo-Hurler polydystrophy. Also called: Type III Mucolipidosis; ML IIIA; Mucolipidosis III Alpha/Beta; MUCOLIPIDOSIS IIIA; ML III; ML III ALPHA/BETA. Identifiers: Orphanet 423461, Orphanet 577, MedGen C0033788, MONDO:0018931, OMIM 252600.

Allele frequency attached by ClinVar (database versions not stated): gnomAD 0.00001; gnomAD exomes 0.00001 and 0.00003.

Submissions (7):

GeneDx
Classification: Pathogenic. Last evaluated: 2026-02-05. Review status: criteria provided, single submitter. Criteria: GeneDx Variant Classification Process June 2021. Collection method: clinical testing. Allele origin: germline.
Comment: Nonsense variant predicted to result in protein truncation or nonsense mediated decay in a gene for which loss of function is a known mechanism of disease; Not observed at significant frequency in large population cohorts (gnomAD); Identified in patients with mucolipidosis II and III alpha/beta in published literature (PMID: 19617216, 29872134); This variant is associated with the following publications: (PMID: 25525159, 29872134, 19617216, 33486335, 30882951)

Labcorp Genetics (formerly Invitae), Labcorp
Classification: Pathogenic for Pseudo-Hurler polydystrophy; Mucolipidosis type II. Last evaluated: 2025-10-18. Review status: criteria provided, single submitter. Criteria: Invitae Variant Classification Sherloc (09022015). Collection method: clinical testing. Allele origin: germline.
Comment: This sequence change creates a premature translational stop signal (p.Arg334*) in the GNPTAB gene. It is expected to result in an absent or disrupted protein product. Loss-of-function variants in GNPTAB are known to be pathogenic (PMID: 19617216, 25107912). This variant is present in population databases (rs281864969, gnomAD 0.002%). This premature translational stop signal has been observed in individual(s) with mucolipdosis (PMID: 19617216). ClinVar contains an entry for this variant (Variation ID: 39017). For these reasons, this variant has been classified as Pathogenic.

Natera, Inc.
Classification: Pathogenic for Mucolipidosis type II. Last evaluated: 2025-06-09. Review status: criteria provided, single submitter. Criteria: Natera Variant Classification Schema (03/2026). Collection method: clinical testing. Allele origin: germline.
Comment: The c.1000C>T variant in GNPTAB is a nonsense variant predicted to introduce a stop codon at amino acid 334. This variant is expected to result in nonsense mediated decay, truncation, or a dysfunctional protein product. This variant is rare in the general population with a frequency below the threshold expected for the associated phenotype(s). This variant has been observed in one or more individuals affected with the associated recessive disease, as either homozygous or compound heterozygous with a second variant (PMID: 29872134). Given the available evidence, this variant is classified as Pathogenic.

Revvity Omics, Revvity
Classification: Pathogenic. Last evaluated: 2022-01-23. Review status: criteria provided, single submitter. Criteria: ACMG Guidelines, 2015. Collection method: clinical testing. Allele origin: germline.

Eurofins Ntd Llc (ga)
Classification: Pathogenic. Last evaluated: 2013-02-14. Review status: criteria provided, single submitter. Criteria: EGL Classification Definitions. Collection method: clinical testing. Allele origin: germline. Observed: 3 variant alleles, 3 heterozygotes.

Counsyl
Classification: Likely pathogenic for Mucolipidosis type II; Pseudo-Hurler polydystrophy. Last evaluated: 2017-07-05. Review status: no assertion criteria provided. Collection method: clinical testing. Allele origin: unknown. Not counted in ClinVar's aggregate classification.

GeneReviews
No classification provided. Condition: Pseudo-Hurler polydystrophy. Review status: no classification provided. Collection method: literature only. Allele origin: unknown. Not counted in ClinVar's aggregate classification.

Literature cited by the submitters: PubMed 19617216 (cited by 3 submitters); PubMed 25107912 (cited by Labcorp Genetics (formerly Invitae), Labcorp); PubMed 29872134 (cited by Natera, Inc.); PubMed 20301728 (cited by GeneReviews); NCBI Bookshelf NBK1828 (cited by GeneReviews).